The following is an entry in ClinVar:

NM_001365951.3(KIF1B):c.2630G>A (p.Ser877Asn)

Gene: KIF1B (kinesin family member 1B; plus strand). Cytogenetic location: 1p36.22.
Variant type: single nucleotide variant.
Coding change: c.2630G>A on transcript NM_001365951.3 (MANE Select); coding-DNA position 2630, G replaced by A.
Protein change: p.Ser877Asn; replaces serine 877 with asparagine.
Molecular consequence: missense variant.
Genome position (GRCh38, 1-based): chr1:10,324,850, G>A. VCF-style: chr1-10324850-G-A. GRCh37 (hg19) VCF-style: chr1-10384908-G-A.
Other names: c.2630G>A, p.Ser877Asn (NM_001365952.1); c.2492G>A, p.Ser831Asn (NM_015074.3); short protein forms S877N, S831N.
Identifiers: ClinVar variation 3534056 (VCV003534056.1).

ClinVar aggregate classification (germline): Uncertain significance (1 of 4 stars; one submission).

Submission:

Ambry Genetics
Classification: Uncertain significance. Last evaluated: 2024-10-27. Review status: criteria provided, single submitter. Criteria: Ambry Variant Classification Scheme 2023. Collection method: clinical testing. Allele origin: germline.
Comment: The p.S831N variant (also known as c.2492G>A), located in coding exon 23 of the KIF1B gene, results from a G to A substitution at nucleotide position 2492. The serine at codon 831 is replaced by asparagine, an amino acid with highly similar properties. This amino acid position is conserved. In addition, this alteration is predicted to be tolerated by in silico analysis. Based on the available evidence, the clinical significance of this variant remains unclear.